The following is an entry in ClinVar:

ClinVar aggregate classification (germline): Uncertain significance (1 of 4 stars; one submission).

Conditions:
Autosomal recessive early-onset Parkinson disease 7. Identifiers: Orphanet 2828, MedGen C1853445, MONDO:0011658, OMIM 606324.

gnomAD v4.1: 6 of 1,578,726 alleles (0.00038%); highest among the groups gnomAD compares: Non-Finnish European, 0.00052%; no homozygotes.

Submission:

Labcorp Genetics (formerly Invitae), Labcorp
Classification: Uncertain significance for Autosomal recessive early-onset Parkinson disease 7. Last evaluated: 2021-07-04. Review status: criteria provided, single submitter. Criteria: Invitae Variant Classification Sherloc (09022015). Collection method: clinical testing. Allele origin: germline.
Comment: This sequence change replaces glycine with aspartic acid at codon 78 of the PARK7 protein (p.Gly78Asp). The glycine residue is highly conserved and there is a moderate physicochemical difference between glycine and aspartic acid. This variant is not present in population databases (ExAC no frequency). This variant has not been reported in the literature in individuals affected with PARK7-related conditions. Algorithms developed to predict the effect of missense changes on protein structure and function (SIFT, PolyPhen-2, Align-GVGD) all suggest that this variant is likely to be disruptive. In summary, the available evidence is currently insufficient to determine the role of this variant in disease. Therefore, it has been classified as a Variant of Uncertain Significance.

NM_007262.5(PARK7):c.233G>A (p.Gly78Asp)

Gene: PARK7 (Parkinsonism associated deglycase; plus strand). Cytogenetic location: 1p36.23.
Variant type: single nucleotide variant.
Coding change: c.233G>A on transcript NM_007262.5 (MANE Select); coding-DNA position 233, G replaced by A.
Protein change: p.Gly78Asp; replaces glycine 78 with aspartic acid.
Molecular consequence: missense variant.
Genome position (GRCh38, 1-based): chr1:7,969,385, G>A. VCF-style: chr1-7969385-G-A. GRCh37 (hg19) VCF-style: chr1-8029445-G-A.
Other names: c.233G>A, p.Gly78Asp (NM_001123377.2); short protein forms G78D.
Identifiers: ClinVar variation 1365948 (VCV001365948.8), dbSNP rs2151431134, ClinGen allele CA338165147.
Genomic context (GRCh38, chr1:7,969,385, plus strand): 5'-TATGTTTTAAACTGTTACAGGGACCATATGATGTGGTGGTTCTACCAGGAGGTAATCTGG[G>A]CGCACAGAATTTATCTGAGGTAAAAAATTCTACTCAATTATACCTCAATAAAGCTGGGGG-3'
Protein context (NP_009193.2, residues 68-88): DVVVLPGGNL[Gly78Asp]AQNLSESAAV